The following is an entry in ClinVar:

NM_000465.4(BARD1):c.1569-5A>G

Gene: BARD1 (BRCA1 associated RING domain 1; minus strand). Cytogenetic location: 2q35.
Variant type: single nucleotide variant.
Coding change: c.1569-5A>G on transcript NM_000465.4 (MANE Select); 5 bases into the intron before coding-DNA position 1569, A replaced by G.
Molecular consequence: intron variant.
Genome position (GRCh38, 1-based): chr2:214,752,560, T>C on the plus strand (A>G on the coding strand, the complement: BARD1 is on the minus strand). VCF-style: chr2-214752560-T-C. GRCh37 (hg19) VCF-style: chr2-215617284-T-C.
Other names: c.1569-5A>G (LRG_297t1); c.159-5A>G (NM_001282548.2); c.1512-5A>G (NM_001282543.2); c.216-5A>G (NM_001282545.2); c.365-22052A>G (NM_001282549.2).
Identifiers: ClinVar variation 576247 (VCV000576247.10), dbSNP rs1402208859, ClinGen allele CA764572935.

ClinVar aggregate classification (germline): Likely benign. Review status: criteria provided, multiple submitters, no conflicts (2 of 4 stars). 2 submissions from 2 submitters: Likely benign (2). Last evaluated 2024-07-25.

Conditions:
Familial cancer of breast. Also called: hereditary breast carcinoma; BREAST CANCER, FAMILIAL; Hereditary breast cancer. Identifiers: Orphanet 227535, MedGen C0346153, MONDO:0016419, OMIM 114480. Disease mechanism: loss of function.

Allele frequency attached by ClinVar (database versions not stated): gnomAD 0.00001; TOPMed 0.00002.
gnomAD v4.1: 1 of 1,606,958 alleles (0.000062%); highest among the groups gnomAD compares: Admixed American, 0.0017%; no homozygotes.

Submissions (2):

Myriad Genetics, Inc.
Classification: Likely benign for Familial cancer of breast. Last evaluated: 2024-07-25. Review status: criteria provided, single submitter. Criteria: Myriad Autosomal Dominant, Autosomal Recessive and X-Linked Classification Criteria (2023). Collection method: clinical testing. Allele origin: unknown.
Comment: This variant is considered likely benign. This variant is intronic and is not expected to impact mRNA splicing.

Labcorp Genetics (formerly Invitae), Labcorp
Classification: Likely benign for Familial cancer of breast. Last evaluated: 2022-10-13. Review status: criteria provided, single submitter. Criteria: Invitae Variant Classification Sherloc (09022015). Collection method: clinical testing. Allele origin: germline.